The following is an entry in ClinVar:

NM_003482.4(KMT2D):c.7835C>T (p.Pro2612Leu)

Gene: KMT2D (lysine methyltransferase 2D; minus strand). Cytogenetic location: 12q13.12.
Variant type: single nucleotide variant.
Coding change: c.7835C>T on transcript NM_003482.4 (MANE Select); coding-DNA position 7835, C replaced by T.
Protein change: p.Pro2612Leu; replaces proline 2612 with leucine.
Molecular consequence: missense variant.
Genome position (GRCh38, 1-based): chr12:49,039,935, G>A on the plus strand (C>T on the coding strand, the complement: KMT2D is on the minus strand). VCF-style: chr12-49039935-G-A. GRCh37 (hg19) VCF-style: chr12-49433718-G-A.
Other names: short protein forms P2612L.
Identifiers: ClinVar variation 3693539 (VCV003693539.2).

ClinVar aggregate classification (germline): Uncertain significance (1 of 4 stars; one submission).

Conditions:
Kabuki syndrome. Also called: NIIKAWA-KUROKI SYNDROME; Kabuki make-up syndrome. Identifiers: Orphanet 2322, MedGen C0796004, MONDO:0016512.

Submission:

Labcorp Genetics (formerly Invitae), Labcorp
Classification: Uncertain significance for Kabuki syndrome. Last evaluated: 2025-06-23. Review status: criteria provided, single submitter. Criteria: Invitae Variant Classification Sherloc (09022015). Collection method: clinical testing. Allele origin: germline.
Comment: This sequence change replaces proline, which is neutral and non-polar, with leucine, which is neutral and non-polar, at codon 2612 of the KMT2D protein (p.Pro2612Leu). This variant is not present in population databases (gnomAD no frequency). This variant has not been reported in the literature in individuals affected with KMT2D-related conditions. ClinVar contains an entry for this variant (Variation ID: 3693539). Invitae Evidence Modeling of protein sequence and biophysical properties (such as structural, functional, and spatial information, amino acid conservation, physicochemical variation, residue mobility, and thermodynamic stability) indicates that this missense variant is not expected to disrupt KMT2D protein function with a negative predictive value of 95%. In summary, the available evidence is currently insufficient to determine the role of this variant in disease. Therefore, it has been classified as a Variant of Uncertain Significance.